The following is an entry in ClinVar:

NM_014639.4(SKIC3):c.548T>C (p.Phe183Ser)

Gene: SKIC3 (SKI3 subunit of superkiller complex; minus strand). Cytogenetic location: 5q15.
Variant type: single nucleotide variant.
Coding change: c.548T>C on transcript NM_014639.4 (MANE Select); coding-DNA position 548, T replaced by C.
Protein change: p.Phe183Ser; replaces phenylalanine 183 with serine.
Molecular consequence: missense variant.
Genome position (GRCh38, 1-based): chr5:95,537,137, A>G on the plus strand (T>C on the coding strand, the complement: SKIC3 is on the minus strand). VCF-style: chr5-95537137-A-G. GRCh37 (hg19) VCF-style: chr5-94872841-A-G.
Other names: c.548T>C (NM_014639.3); short protein forms F183S.
Identifiers: ClinVar variation 1041198 (VCV001041198.6), dbSNP rs771643436, ClinGen allele CA360442224.

ClinVar aggregate classification (germline): Uncertain significance. Review status: criteria provided, multiple submitters, no conflicts (2 of 4 stars). 2 submissions from 2 submitters: Uncertain significance (2). Last evaluated 2023-11-13.

Conditions:
Inborn genetic diseases. Identifiers: MedGen C0950123, MeSH D030342.

Allele frequency attached by ClinVar (database versions not stated): gnomAD exomes below 0.00001; TOPMed 0.00002.
gnomAD v4.1: 2 of 1,613,002 alleles (0.00012%); highest among the groups gnomAD compares: Admixed American, 0.0033%; no homozygotes.

Submissions (2):

Ambry Genetics
Classification: Uncertain significance for Inborn genetic diseases. Last evaluated: 2023-11-13. Review status: criteria provided, single submitter. Criteria: Ambry Variant Classification Scheme 2023. Collection method: clinical testing. Allele origin: germline.

Labcorp Genetics (formerly Invitae), Labcorp
Classification: Uncertain significance. Last evaluated: 2022-01-26. Review status: criteria provided, single submitter. Criteria: Invitae Variant Classification Sherloc (09022015). Collection method: clinical testing. Allele origin: germline.
Comment: This sequence change replaces phenylalanine, which is neutral and non-polar, with serine, which is neutral and polar, at codon 183 of the TTC37 protein (p.Phe183Ser). This variant is not present in population databases (gnomAD no frequency). This variant has not been reported in the literature in individuals affected with TTC37-related conditions. ClinVar contains an entry for this variant (Variation ID: 1041198). Algorithms developed to predict the effect of missense changes on protein structure and function are either unavailable or do not agree on the potential impact of this missense change (SIFT: "Deleterious"; PolyPhen-2: "Benign"; Align-GVGD: "Class C0"). In summary, the available evidence is currently insufficient to determine the role of this variant in disease. Therefore, it has been classified as a Variant of Uncertain Significance.